The following is an entry in ClinVar:

NM_001281740.3(FHOD3):c.3669G>A (p.Glu1223=)

Gene: FHOD3 (formin homology 2 domain containing 3; plus strand). Cytogenetic location: 18q12.2.
Variant type: single nucleotide variant.
Coding change: c.3669G>A on transcript NM_001281740.3 (MANE Select); coding-DNA position 3669, G replaced by A.
Protein change: p.Glu1223=; no amino-acid change (glutamic acid 1223 retained).
Molecular consequence: synonymous variant.
Genome position (GRCh38, 1-based): chr18:36,740,748, G>A. VCF-style: chr18-36740748-G-A. GRCh37 (hg19) VCF-style: chr18-34320711-G-A.
Other names: c.3093G>A, p.Glu1031= (NM_001281739.3); c.3144G>A, p.Glu1048= (NM_025135.5).
Identifiers: ClinVar variation 4820402 (VCV004820402.1), dbSNP rs371402428.
Genomic context (GRCh38, chr18:36,740,748, plus strand): 5'-GAAGCAGAAAATCCAGGAAGCTCAGCTGGCCAACCCTGAAATCCCCCTGGGCAGTGCAGA[G>A]CAGTTCCTCCTCACCCTGTCCTCCATCAGCGAGCTCTCTGCACGACTTCACCTCTGGGCA-3'
Protein context (NP_001268669.1, residues 1213-1233): ANPEIPLGSA[Glu1223=]QFLLTLSSIS

ClinVar aggregate classification (germline): Likely benign (1 of 4 stars; one submission).

Submission:

Molecular Diagnostic Laboratory for Inherited Cardiovascular Disease, Montreal Heart Institute
Classification: Likely benign. Last evaluated: 2026-03-27. Review status: criteria provided, single submitter. Criteria: ACMG Guidelines, 2015. Collection method: clinical testing. Allele origin: germline. Affected: no.
Comment: BP7